The following is an entry in ClinVar:

ClinVar aggregate classification (germline): Uncertain significance. Review status: criteria provided, multiple submitters, no conflicts (2 of 4 stars). 3 submissions from 3 submitters: Uncertain significance (3). Last evaluated 2023-06-17.

Conditions:
Cardiovascular phenotype. Identifiers: MedGen CN230736.

Allele frequency attached by ClinVar (database versions not stated): gnomAD 0.00001.
gnomAD v4.1: 4 of 1,614,052 alleles (0.00025%); highest among the groups gnomAD compares: African/African-American, 0.0013%; no homozygotes.

Submissions (3):

Ambry Genetics
Classification: Uncertain significance for Cardiovascular phenotype. Last evaluated: 2023-06-17. Review status: criteria provided, single submitter. Criteria: Ambry Variant Classification Scheme 2023. Collection method: clinical testing. Allele origin: germline.
Comment: The p.R166Q variant (also known as c.497G>A), located in coding exon 3 of the TBX20 gene, results from a G to A substitution at nucleotide position 497. The arginine at codon 166 is replaced by glutamine, an amino acid with highly similar properties. This amino acid position is highly conserved in available vertebrate species. In addition, the in silico prediction for this alteration is inconclusive. Since supporting evidence is limited at this time, the clinical significance of this alteration remains unclear.

GeneDx
Classification: Uncertain significance. Last evaluated: 2022-07-18. Review status: criteria provided, single submitter. Criteria: GeneDx Variant Classification Process June 2021. Collection method: clinical testing. Allele origin: germline. Affected: yes.
Comment: Has not been previously published as pathogenic or benign to our knowledge; Not observed at significant frequency in large population cohorts (gnomAD); In silico analysis supports that this missense variant has a deleterious effect on protein structure/function

Labcorp Genetics (formerly Invitae), Labcorp
Classification: Uncertain significance. Last evaluated: 2022-03-18. Review status: criteria provided, single submitter. Criteria: Invitae Variant Classification Sherloc (09022015). Collection method: clinical testing. Allele origin: germline.
Comment: This sequence change replaces arginine, which is basic and polar, with glutamine, which is neutral and polar, at codon 166 of the TBX20 protein (p.Arg166Gln). This variant is not present in population databases (gnomAD no frequency). This variant has not been reported in the literature in individuals affected with TBX20-related conditions. Algorithms developed to predict the effect of missense changes on protein structure and function are either unavailable or do not agree on the potential impact of this missense change (SIFT: "Deleterious"; PolyPhen-2: "Probably Damaging"; Align-GVGD: "Class C0"). Algorithms developed to predict the effect of sequence changes on RNA splicing suggest that this variant may create or strengthen a splice site. In summary, the available evidence is currently insufficient to determine the role of this variant in disease. Therefore, it has been classified as a Variant of Uncertain Significance.

NM_001077653.2(TBX20):c.497G>A (p.Arg166Gln)

Gene: TBX20 (T-box transcription factor 20; minus strand). Cytogenetic location: 7p14.2.
Variant type: single nucleotide variant.
Coding change: c.497G>A on transcript NM_001077653.2 (MANE Select); coding-DNA position 497, G replaced by A.
Protein change: p.Arg166Gln; replaces arginine 166 with glutamine.
Molecular consequence: missense variant.
Genome position (GRCh38, 1-based): chr7:35,248,725, C>T on the plus strand (G>A on the coding strand, the complement: TBX20 is on the minus strand). VCF-style: chr7-35248725-C-T. GRCh37 (hg19) VCF-style: chr7-35288337-C-T.
Other names: c.497G>A, p.Arg166Gln (NM_001166220.1); short protein forms R166Q.
Identifiers: ClinVar variation 1355032 (VCV001355032.10), dbSNP rs1790244699, ClinGen allele CA367264612.